The following is an entry in ClinVar:

NM_000268.4(NF2):c.104T>G (p.Phe35Cys)

Gene: NF2 (NF2, moesin-ezrin-radixin like (MERLIN) tumor suppressor; plus strand). Cytogenetic location: 22q12.2.
Variant type: single nucleotide variant.
Coding change: c.104T>G on transcript NM_000268.4 (MANE Select); coding-DNA position 104, T replaced by G.
Protein change: p.Phe35Cys; replaces phenylalanine 35 with cysteine.
Molecular consequence: missense variant. On other transcripts: 5 prime UTR variant (4), non-coding transcript variant (1).
Genome position (GRCh38, 1-based): chr22:29,604,102, T>G. VCF-style: chr22-29604102-T-G. GRCh37 (hg19) VCF-style: chr22-30000091-T-G.
Other names: c.-127T>G (NM_001407053.1, NM_001407056.1); c.104T>G, p.Phe35Cys (NM_001407054.1, NM_001407055.1, NM_001407057.1 and 15 more transcripts); c.-537T>G (NM_001407065.1); c.-153T>G (NM_001407067.1); short protein forms F35C.
Identifiers: ClinVar variation 2831397 (VCV002831397.6), dbSNP rs1601516107, ClinGen allele CA411146291.
Genomic context (GRCh38, chr22:29,604,102, plus strand): 5'-AGAGGAAGCAACCCAAGACGTTCACCGTGAGGATCGTCACCATGGACGCCGAGATGGAGT[T>G]CAATTGCGAGGTAACCGGCCGGCAGCCCCGACTGCTGCGGTGACAGTCGAGGTGGAAGCT-3'
Protein context (NP_000259.1, residues 25-45): RIVTMDAEME[Phe35Cys]NCEMKWKGKD

ClinVar aggregate classification (germline): Uncertain significance. Review status: criteria provided, multiple submitters, no conflicts (2 of 4 stars). 3 submissions from 3 submitters: Uncertain significance (3). Last evaluated 2025-05-21.

Conditions:
Hereditary cancer-predisposing syndrome. Also called: Neoplastic Syndromes, Hereditary; Hereditary neoplastic syndrome; Hereditary Cancer Syndrome; Tumor predisposition. Identifiers: Orphanet 140162, MedGen C0027672, MeSH D009386, MONDO:0015356.
Neurofibromatosis, type 2 (SWNV). Also called: BILATERAL ACOUSTIC NEUROFIBROMATOSIS; NF2-Related Schwannomatosis; SCHWANNOMATOSIS, VESTIBULAR. Identifiers: Orphanet 637, MedGen C0027832, MONDO:0007039, OMIM 101000. Disease mechanism: loss of function.

Allele frequency attached by ClinVar (database versions not stated): gnomAD exomes below 0.00001.
gnomAD v4.1: 1 of 1,604,854 alleles (0.000062%); highest among the groups gnomAD compares: East Asian, 0.0022%; no homozygotes.

Submissions (3):

Labcorp Genetics (formerly Invitae), Labcorp
Classification: Uncertain significance for Neurofibromatosis, type 2. Last evaluated: 2025-05-21. Review status: criteria provided, single submitter. Criteria: Invitae Variant Classification Sherloc (09022015). Collection method: clinical testing. Allele origin: germline.
Comment: This sequence change replaces phenylalanine, which is neutral and non-polar, with cysteine, which is neutral and slightly polar, at codon 35 of the NF2 protein (p.Phe35Cys). This variant is not present in population databases (gnomAD no frequency). This variant has not been reported in the literature in individuals affected with NF2-related conditions. ClinVar contains an entry for this variant (Variation ID: 2831397). Invitae Evidence Modeling of protein sequence and biophysical properties (such as structural, functional, and spatial information, amino acid conservation, physicochemical variation, residue mobility, and thermodynamic stability) indicates that this missense variant is expected to disrupt NF2 protein function with a positive predictive value of 80%. In summary, the available evidence is currently insufficient to determine the role of this variant in disease. Therefore, it has been classified as a Variant of Uncertain Significance.

Ambry Genetics
Classification: Uncertain significance for Hereditary cancer-predisposing syndrome. Last evaluated: 2025-05-16. Review status: criteria provided, single submitter. Criteria: Ambry Variant Classification Scheme 2023. Collection method: clinical testing. Allele origin: germline.
Comment: The p.F35C variant (also known as c.104T>G), located in coding exon 1 of the NF2 gene, results from a T to G substitution at nucleotide position 104. The phenylalanine at codon 35 is replaced by cysteine, an amino acid with highly dissimilar properties. This amino acid position is conserved. In addition, this alteration is predicted to be deleterious by in silico analysis. Based on the available evidence, the clinical significance of this variant remains unclear.

All of Us Research Program, National Institutes of Health
Classification: Uncertain significance for Neurofibromatosis, type 2. Last evaluated: 2024-09-23. Review status: criteria provided, single submitter. Criteria: ACMG Guidelines, 2015. Collection method: clinical testing. Allele origin: germline. Inheritance: Autosomal dominant inheritance. Observed: 2 variant alleles, 2 heterozygotes.
Comment: This missense variant replaces phenylalanine with cysteine at codon 35 of the NF2 protein. Computational prediction suggests that this variant may have deleterious impact on protein structure and function (internally defined REVEL score threshold >= 0.7, PMID: 27666373). To our knowledge, functional studies have not been reported for this variant. This variant has not been reported in individuals affected with NF2-related disorders in the literature. This variant has not been identified in the general population by the Genome Aggregation Database (gnomAD). The available evidence is insufficient to determine the role of this variant in disease conclusively. Therefore, this variant is classified as a Variant of Uncertain Significance.

This study involves interpretation of variants in research participants for the purpose of population health screening. Participant phenotype was not available at the time of variant classification. Additional details can be found in publication PMID: 35346344, PMCID: PMC8962531